The following is an entry in ClinVar:

NM_020821.3(VPS13C):c.9691A>G (p.Ile3231Val)

Gene: VPS13C (vacuolar protein sorting 13 homolog C; minus strand). Cytogenetic location: 15q22.2.
Variant type: single nucleotide variant.
Coding change: c.9691A>G on transcript NM_020821.3 (MANE Select); coding-DNA position 9691, A replaced by G.
Protein change: p.Ile3231Val; replaces isoleucine 3231 with valine.
Molecular consequence: missense variant.
Genome position (GRCh38, 1-based): chr15:61,881,762, T>C on the plus strand (A>G on the coding strand, the complement: VPS13C is on the minus strand). VCF-style: chr15-61881762-T-C. GRCh37 (hg19) VCF-style: chr15-62173961-T-C.
Other names: c.9691A>G, p.Ile3231Val (NM_001018088.3); c.9562A>G, p.Ile3188Val (NM_017684.5, NM_018080.4); short protein forms I3188V, I3231V.
Identifiers: ClinVar variation 1500880 (VCV001500880.6), dbSNP rs2140905809, ClinGen allele CA392673034.

ClinVar aggregate classification (germline): Uncertain significance (1 of 4 stars; one submission).

Allele frequency attached by ClinVar (database versions not stated): gnomAD exomes below 0.00001.
gnomAD v4.1: 2 of 1,609,246 alleles (0.00012%); highest among the groups gnomAD compares: South Asian, 0.0011%; no homozygotes.

Submission:

Labcorp Genetics (formerly Invitae), Labcorp
Classification: Uncertain significance. Last evaluated: 2021-10-25. Review status: criteria provided, single submitter. Criteria: Invitae Variant Classification Sherloc (09022015). Collection method: clinical testing. Allele origin: germline.
Comment: In summary, the available evidence is currently insufficient to determine the role of this variant in disease. Therefore, it has been classified as a Variant of Uncertain Significance. Algorithms developed to predict the effect of missense changes on protein structure and function (SIFT, PolyPhen-2, Align-GVGD) all suggest that this variant is likely to be tolerated. This variant has not been reported in the literature in individuals affected with VPS13C-related conditions. This variant is not present in population databases (ExAC no frequency). This sequence change replaces isoleucine with valine at codon 3231 of the VPS13C protein (p.Ile3231Val). The isoleucine residue is moderately conserved and there is a small physicochemical difference between isoleucine and valine.